The following is an entry in ClinVar:

NM_001353345.2(SETD1B):c.1526_1527del (p.Glu509fs)

Gene: SETD1B (SET domain containing 1B, histone lysine methyltransferase; plus strand). Cytogenetic location: 12q24.31.
Variant type: Deletion.
Coding change: c.1526_1527del on transcript NM_001353345.2 (MANE Select); coding-DNA positions 1526 to 1527, 2 bases deleted (AG; older notation c.1526_1527delAG).
Protein change: p.Glu509fs; shifts the reading frame from glutamic acid 509.
Molecular consequence: frameshift variant.
Genome position (GRCh38, 1-based): chr12:121,810,471-121,810,472, AG deleted; deleting any 2 consecutive bases within chr12:121,810,470-121,810,472 gives the same sequence; the c. name uses the placement nearest the transcript's 3' end. VCF-style (leftmost placement, unchanged base first): chr12-121810469-GGA-G. GRCh37 (hg19) VCF-style: chr12-122248375-GGA-G.
Other names: c.1526_1527delAG (NM_001353345.1); short protein forms E509fs.
Identifiers: ClinVar variation 692025 (VCV000692025.1), dbSNP rs1592977444, ClinGen allele CA915946727.

ClinVar aggregate classification (germline): Likely pathogenic (1 of 4 stars; one submission).

Conditions:
Epilepsy. Also called: Seizure disorder. Identifiers: MedGen C0014544, MeSH D004827, MONDO:0005027.

Submission:

Rady Children's Institute for Genomic Medicine, Rady Children's Hospital San Diego
Classification: Likely pathogenic for Epilepsy. Last evaluated: 2018-04-24. Review status: criteria provided, single submitter. Criteria: ACMG Guidelines, 2015. Collection method: clinical testing. Allele origin: germline. Affected: yes. Observed: 1 variant allele.
Comment: There are no previous reports of this variant in the literature or by clinical laboratories, in affected individuals, nor is it present in the population database gnomAD. The gene SETD1B has a pLI score of 0.2 suggesting that the protein is tolerant of loss-of-function (LOF) variants, and reported LOF variants in gnomAD are either at the very beginning of the protein (e.g,. p.His8) or much later in the protein (e.g., at p.1463 in exon 11). Loss of function in SETD1B has been associated with disease previously (PMID: 29276005), as has haploinsufficiency (PMID 27106595). Based on the combined evidence, the variant is classified as Likely Pathogenic.